The following is an entry in ClinVar:

NM_024494.3(WNT2B):c.779G>A (p.Arg260His)

Gene: WNT2B (Wnt family member 2B; plus strand). Cytogenetic location: 1p13.2.
Variant type: single nucleotide variant.
Coding change: c.779G>A on transcript NM_024494.3 (MANE Select); coding-DNA position 779, G replaced by A.
Protein change: p.Arg260His; replaces arginine 260 with histidine.
Molecular consequence: missense variant.
Genome position (GRCh38, 1-based): chr1:112,517,218, G>A. VCF-style: chr1-112517218-G-A. GRCh37 (hg19) VCF-style: chr1-113059840-G-A.
Other names: c.503G>A, p.Arg168His (NM_001291880.1); c.722G>A, p.Arg241His (NM_004185.4); c.779G>A (NM_024494.2); short protein forms R241H, R168H, R260H.
Identifiers: ClinVar variation 2070210 (VCV002070210.3), dbSNP rs775708471, ClinGen allele CA1008351.
Genomic context (GRCh38, chr1:112,517,218, plus strand): 5'-ATGGCGTGAGTGGTTCCTGTACTCTGCGCACCTGCTGGCGTGCACTCTCAGATTTCCGCC[G>A]CACAGGTGATTACCTGCGGCGACGCTATGATGGGGCTGTGCAGGTGATGGCCACCCAAGA-3'
Protein context (NP_078613.1, residues 250-270): TCWRALSDFR[Arg260His]TGDYLRRRYD

ClinVar aggregate classification (germline): Uncertain significance. Review status: criteria provided, multiple submitters, no conflicts (2 of 4 stars). 2 submissions from 2 submitters: Uncertain significance (2). Last evaluated 2024-11-11.

Allele frequency attached by ClinVar (database versions not stated): ExAC 0.00002; gnomAD exomes 0.00002; gnomAD 0.00009; TOPMed 0.00013.
gnomAD v4.1: 42 of 1,614,156 alleles (0.0026%); highest among the groups gnomAD compares: African/African-American, 0.027%; no homozygotes.

Submissions (2):

Ambry Genetics
Classification: Uncertain significance. Last evaluated: 2024-11-11. Review status: criteria provided, single submitter. Criteria: Ambry Variant Classification Scheme 2023. Collection method: clinical testing. Allele origin: germline.

Labcorp Genetics (formerly Invitae), Labcorp
Classification: Uncertain significance. Last evaluated: 2024-01-08. Review status: criteria provided, single submitter. Criteria: Invitae Variant Classification Sherloc (09022015). Collection method: clinical testing. Allele origin: germline.
Comment: This sequence change replaces arginine, which is basic and polar, with histidine, which is basic and polar, at codon 260 of the WNT2B protein (p.Arg260His). This variant is present in population databases (rs775708471, gnomAD 0.03%). This variant has not been reported in the literature in individuals affected with WNT2B-related conditions. ClinVar contains an entry for this variant (Variation ID: 2070210). An algorithm developed to predict the effect of missense changes on protein structure and function (PolyPhen-2) suggests that this variant is likely to be disruptive. In summary, the available evidence is currently insufficient to determine the role of this variant in disease. Therefore, it has been classified as a Variant of Uncertain Significance.